The following is an entry in ClinVar:

NM_000038.6(APC):c.3062_3068del (p.Leu1021fs)

Gene: APC (APC regulator of Wnt signaling pathway; plus strand). Cytogenetic location: 5q22.2.
Variant type: Deletion.
Coding change: c.3062_3068del on transcript NM_000038.6 (MANE Select); coding-DNA positions 3062 to 3068, 7 bases deleted (TAGATAC; older notation c.3062_3068delTAGATAC).
Protein change: p.Leu1021fs; shifts the reading frame from leucine 1021.
Molecular consequence: frameshift variant. On other transcripts: non-coding transcript variant (2).
Genome position (GRCh38, 1-based): chr5:112,838,656-112,838,662, TAGATAC deleted; deleting any 7 consecutive bases within chr5:112,838,654-112,838,662 gives the same sequence; the c. name uses the placement nearest the transcript's 3' end. VCF-style (leftmost placement, unchanged base first): chr5-112838653-AACTAGAT-A. GRCh37 (hg19) VCF-style: chr5-112174350-AACTAGAT-A.
Other names: c.3062_3068del, p.Leu1021fs (NM_001127510.3, NM_001354895.2, NM_001407450.1); c.3008_3014del, p.Leu1003fs (NM_001127511.3); c.3116_3122del, p.Leu1039fs (NM_001354896.2, NM_001407447.1, NM_001407448.1 and 1 more transcripts); c.3092_3098del, p.Leu1031fs (NM_001354897.2); c.2987_2993del, p.Leu996fs (NM_001354898.2); c.2978_2984del, p.Leu993fs (NM_001354899.2); c.2939_2945del, p.Leu980fs (NM_001354900.2); c.2885_2891del, p.Leu962fs (NM_001354901.2, NM_001407453.1); and 11 more; short protein forms L1003fs, L1011fs, L1014fs, L1021fs, L1031fs, L1039fs, L1049fs, L637fs.
Identifiers: ClinVar variation 2583700 (VCV002583700.1), dbSNP rs2533468181, ClinGen allele CA2582341481.

ClinVar aggregate classification (germline): Pathogenic (1 of 4 stars; one submission).

Conditions:
Familial adenomatous polyposis 1 (FAP1). Also called: POLYPOSIS, ADENOMATOUS INTESTINAL; FAMILIAL ADENOMATOUS POLYPOSIS 1, ATTENUATED. Identifiers: MedGen C2713442, MONDO:0021056, OMIM 175100. Disease mechanism: loss of function.

Submission:

Myriad Genetics, Inc.
Classification: Pathogenic for Familial adenomatous polyposis 1. Last evaluated: 2023-05-05. Review status: criteria provided, single submitter. Criteria: Myriad Autosomal Dominant, Autosomal Recessive and X-Linked Classification Criteria (2023). Collection method: clinical testing. Allele origin: unknown.
Comment: This variant is considered pathogenic. This variant creates a frameshift predicted to result in premature protein truncation.